The following is an entry in ClinVar:

NM_001114633.2(PLA2G4B):c.688G>C (p.Val230Leu)

Genes: JMJD7-PLA2G4B (JMJD7-PLA2G4B readthrough; plus strand), PLA2G4B (phospholipase A2 group IVB; plus strand). Cytogenetic location: 15q15.1.
Variant type: single nucleotide variant.
Coding change: c.688G>C on transcript NM_001114633.2 (MANE Select); coding-DNA position 688, G replaced by C.
Protein change: p.Val230Leu; replaces valine 230 with leucine.
Molecular consequence: missense variant.
Genome position (GRCh38, 1-based): chr15:41,842,259, G>C. VCF-style: chr15-41842259-G-C. GRCh37 (hg19) VCF-style: chr15-42134457-G-C.
Other names: c.1381G>C, p.Val461Leu (NM_001198588.2, NM_005090.4); short protein forms V230L, V461L.
Identifiers: ClinVar variation 3043178 (VCV003043178.2), dbSNP rs138307106, ClinGen allele CA7499742.
Genomic context (GRCh38, chr15:41,842,259, plus strand): 5'-CCCGAGGAGCAACTAAAGGCGCCACTGAGTGCCCTGCCCTCTGGTCAAGTGGTGAGGCTT[G>C]TCTTCCCCACGTCCCAGGTACTGGCCTCCCAGGGAAGGAAGCAAGGCGCCTGGATGGGGC-3'
Protein context (NP_001108105.1, residues 220-240): ALPSGQVVRL[Val230Leu]FPTSQEPLMR

ClinVar aggregate classification (germline): Benign (0 of 4 stars; one submission).

Conditions:
PLA2G4B-related disorder. Also called: PLA2G4B-related condition.

Allele frequency attached by ClinVar (database versions not stated): gnomAD exomes 0.00033; ExAC 0.00114; gnomAD 0.00373; 1000 Genomes Project 30x 0.00375; 1000 Genomes Project 0.00379; TOPMed 0.00394; ESP Exome Variant Server 0.00408.
gnomAD v4.1: 1,073 of 1,614,076 alleles (0.066%); highest among the groups gnomAD compares: African/African-American, 1.3%; 11 homozygotes.

Submission:

PreventionGenetics, part of Exact Sciences
Classification: Benign for PLA2G4B-related condition. Last evaluated: 2019-06-21. Review status: no assertion criteria provided. Collection method: clinical testing. Allele origin: germline.
Comment: This variant is classified as benign based on ACMG/AMP sequence variant interpretation guidelines (Richards et al. 2015 PMID: 25741868, with internal and published modifications).